The following is an entry in ClinVar:

NM_014159.7(SETD2):c.2930C>T (p.Pro977Leu)

Gene: SETD2 (SET domain containing 2, histone lysine methyltransferase; minus strand). Cytogenetic location: 3p21.31.
Variant type: single nucleotide variant.
Coding change: c.2930C>T on transcript NM_014159.7 (MANE Select); coding-DNA position 2930, C replaced by T.
Protein change: p.Pro977Leu; replaces proline 977 with leucine.
Molecular consequence: missense variant. On other transcripts: non-coding transcript variant (1).
Genome position (GRCh38, 1-based): chr3:47,121,706, G>A on the plus strand (C>T on the coding strand, the complement: SETD2 is on the minus strand). VCF-style: chr3-47121706-G-A. GRCh37 (hg19) VCF-style: chr3-47163196-G-A.
Other names: c.2798C>T, p.Pro933Leu (NM_001349370.3); short protein forms P933L, P977L.
Identifiers: ClinVar variation 1305312 (VCV001305312.2), dbSNP rs2106658454, ClinGen allele CA352524489.

ClinVar aggregate classification (germline): Uncertain significance (1 of 4 stars; one submission).

Submission:

GeneDx
Classification: Uncertain significance. Last evaluated: 2019-04-25. Review status: criteria provided, single submitter. Criteria: GeneDx Variant Classification Process June 2021. Collection method: clinical testing. Allele origin: germline. Affected: yes.
Comment: Not observed in large population cohorts (Lek et al., 2016); In silico analysis, which includes protein predictors and evolutionary conservation, supports a deleterious effect; Has not been previously published as pathogenic or benign to our knowledge